The following is an entry in ClinVar:

ClinVar aggregate classification (germline): Uncertain significance (1 of 4 stars; one submission).

Submission:

Ambry Genetics
Classification: Uncertain significance. Last evaluated: 2021-12-11. Review status: criteria provided, single submitter. Criteria: Ambry Variant Classification Scheme 2023. Collection method: clinical testing. Allele origin: germline.
Comment: The p.P831T variant (also known as c.2491C>A), located in coding exon 1 of the MLH3 gene, results from a C to A substitution at nucleotide position 2491. The proline at codon 831 is replaced by threonine, an amino acid with highly similar properties. This amino acid position is conserved. In addition, this alteration is predicted to be tolerated by in silico analysis. Since supporting evidence is limited at this time, the clinical significance of this alteration remains unclear.

NM_001040108.2(MLH3):c.2491C>A (p.Pro831Thr)

Gene: MLH3 (mutL homolog 3; minus strand). Cytogenetic location: 14q24.3.
Variant type: single nucleotide variant.
Coding change: c.2491C>A on transcript NM_001040108.2 (MANE Select); coding-DNA position 2491, C replaced by A.
Protein change: p.Pro831Thr; replaces proline 831 with threonine.
Molecular consequence: missense variant.
Genome position (GRCh38, 1-based): chr14:75,047,165, G>T on the plus strand (C>A on the coding strand, the complement: MLH3 is on the minus strand). VCF-style: chr14-75047165-G-T. GRCh37 (hg19) VCF-style: chr14-75513868-G-T.
Other names: c.2491C>A, p.Pro831Thr (NM_014381.3); short protein forms P831T.
Identifiers: ClinVar variation 1792077 (VCV001792077.2), dbSNP rs1356949383, ClinGen allele CA390440199.
Genomic context (GRCh38, chr14:75,047,165, plus strand): 5'-TAGGACTTTCTCTCAAACTAGGCATCTGTTGTTCTAAACAATCTTCATCCTTGGAGAATG[G>T]AAACTTCTCTGAGTTAAGGATGTGGCTTGCTGGTTGACAACTACTATCTGAATCACTATG-3'
Protein context (NP_001035197.1, residues 821-841): ASHILNSEKF[Pro831Thr]FSKDEDCLEQ